The following is an entry in ClinVar:

ClinVar aggregate classification (germline): Benign/Likely benign. Review status: criteria provided, multiple submitters, no conflicts (2 of 4 stars). 4 submissions from 4 submitters: Benign (2); Likely benign (2). Last evaluated 2025-12-06.

Conditions:
Vesicoureteral reflux 3 (VUR3). Identifiers: Orphanet 289365, MedGen C3150927, MONDO:0013356, OMIM 613674.

Allele frequency attached by ClinVar (database versions not stated): gnomAD 0.00005; TOPMed 0.00013; gnomAD exomes 0.00024.

Submissions (4):

Labcorp Genetics (formerly Invitae), Labcorp
Classification: Benign. Last evaluated: 2025-12-06. Review status: criteria provided, single submitter. Criteria: Invitae Variant Classification Sherloc (09022015). Collection method: clinical testing. Allele origin: germline.

CeGaT Center for Human Genetics Tuebingen
Classification: Likely benign. Last evaluated: 2025-12-01. Review status: criteria provided, single submitter. Criteria: CeGaT Center For Human Genetics Tuebingen Variant Classification Criteria Version 2. Collection method: clinical testing. Allele origin: germline. Affected: yes. Observed: 1 variant allele.
Comment: SOX17: BP4, BP7

Fulgent Genetics
Classification: Likely benign for Vesicoureteral reflux 3. Last evaluated: 2021-12-02. Review status: criteria provided, single submitter. Criteria: ACMG Guidelines, 2015. Collection method: clinical testing. Allele origin: unknown.

Breakthrough Genomics
Classification: Benign. Review status: criteria provided, single submitter. Criteria: ACMG Guidelines, 2015. Collection method: not provided. Allele origin: germline. Inheritance: Autosomal dominant inheritance. Affected: yes.

NM_022454.4(SOX17):c.948A>G (p.Gln316=)

Gene: SOX17 (SRY-box transcription factor 17; plus strand). Cytogenetic location: 8q11.23.
Variant type: single nucleotide variant.
Coding change: c.948A>G on transcript NM_022454.4 (MANE Select); coding-DNA position 948, A replaced by G.
Protein change: p.Gln316=; no amino-acid change (glutamine 316 retained).
Molecular consequence: synonymous variant.
Genome position (GRCh38, 1-based): chr8:54,459,698, A>G. VCF-style: chr8-54459698-A-G. GRCh37 (hg19) VCF-style: chr8-55372258-A-G.
Identifiers: ClinVar variation 1595125 (VCV001595125.15), dbSNP rs888660919, ClinGen allele CA4750991.